The following is an entry in ClinVar:

NM_000264.5(PTCH1):c.2384_2385delinsAT (p.Phe795Tyr)

Genes: PTCH1 (patched 1; minus strand), LOC100507346 (uncharacterized LOC100507346; plus strand). Cytogenetic location: 9q22.32.
Variant type: Indel.
Coding change: c.2384_2385delinsAT on transcript NM_000264.5 (MANE Select); coding-DNA positions 2384 to 2385, TC replaced by AT.
Protein change: p.Phe795Tyr; replaces phenylalanine 795 with tyrosine.
Molecular consequence: missense variant.
Genome position (GRCh38, 1-based): chr9:95,467,291-95,467,292, GA replaced by AT on the plus strand (TC replaced by AT on the coding strand, the reverse complement: PTCH1 is on the minus strand). VCF-style: chr9-95467291-GA-AT. GRCh37 (hg19) VCF-style: chr9-98229573-GA-AT.
Other names: c.2186_2187delinsAT, p.Phe729Tyr (NM_001083602.3); c.2381_2382delinsAT, p.Phe794Tyr (NM_001083603.3); c.1931_1932delinsAT, p.Phe644Tyr (NM_001083604.3, NM_001083605.3, NM_001083606.3 and 1 more transcripts); c.2228_2229delinsAT, p.Phe743Tyr (NM_001354918.2); short protein forms F644Y, F743Y, F729Y, F795Y, F794Y.
Identifiers: ClinVar variation 821186 (VCV000821186.6), dbSNP rs1588569089, ClinGen allele CA915947047.

ClinVar aggregate classification (germline): Uncertain significance. Review status: criteria provided, multiple submitters, no conflicts (2 of 4 stars). 2 submissions from 2 submitters: Uncertain significance (2). Last evaluated 2024-05-28.

Conditions:
Gorlin syndrome. Also called: Nevoid Basal Cell Carcinoma Syndrome; Basal cell nevus syndrome. Identifiers: Orphanet 377, MedGen C0004779, MONDO:0007187.
Hereditary cancer-predisposing syndrome. Also called: Hereditary Cancer Syndrome; Neoplastic Syndromes, Hereditary; Hereditary neoplastic syndrome; Tumor predisposition. Identifiers: Orphanet 140162, MedGen C0027672, MeSH D009386, MONDO:0015356.

Submissions (2):

Labcorp Genetics (formerly Invitae), Labcorp
Classification: Uncertain significance for Gorlin syndrome. Last evaluated: 2024-05-28. Review status: criteria provided, single submitter. Criteria: Invitae Variant Classification Sherloc (09022015). Collection method: clinical testing. Allele origin: germline.
Comment: This sequence change replaces phenylalanine, which is neutral and non-polar, with tyrosine, which is neutral and polar, at codon 795 of the PTCH1 protein (p.Phe795Tyr). This variant is present in population databases (no rsID available, gnomAD 0.0004%). This variant has not been reported in the literature in individuals affected with PTCH1-related conditions. ClinVar contains an entry for this variant (Variation ID: 821186). An algorithm developed to predict the effect of missense changes on protein structure and function (PolyPhen-2) suggests that this variant is likely to be disruptive. In summary, the available evidence is currently insufficient to determine the role of this variant in disease. Therefore, it has been classified as a Variant of Uncertain Significance.

Ambry Genetics
Classification: Uncertain significance for Hereditary cancer-predisposing syndrome. Last evaluated: 2019-04-08. Review status: criteria provided, single submitter. Criteria: Ambry Variant Classification Scheme 2023. Collection method: clinical testing. Allele origin: germline.
Comment: The c.2384_2385delTCinsAT variant, located in coding exon 15 of the PTCH1 gene, results from an in-frame deletion of TC and insertion of AT at nucleotide positions 2384 to 2385. This results in the substitution of the phenylalanine residue for a tyrosine residue at codon 795, an amino acid with highly similar properties. This nucleotide position is well conserved in available vertebrate species. Since supporting evidence is limited at this time, the clinical significance of this alteration remains unclear.